The following is an entry in ClinVar:

NM_018335.6(ZNF839):c.165G>C (p.Pro55=)

Gene: ZNF839 (zinc finger protein 839; plus strand). Cytogenetic location: 14q32.31.
Variant type: single nucleotide variant.
Coding change: c.165G>C on transcript NM_018335.6 (MANE Select); coding-DNA position 165, G replaced by C.
Protein change: p.Pro55=; no amino-acid change (proline 55 retained).
Molecular consequence: synonymous variant. On other transcripts: intron variant (8), non-coding transcript variant (5).
Genome position (GRCh38, 1-based): chr14:102,319,930, G>C. VCF-style: chr14-102319930-G-C. GRCh37 (hg19) VCF-style: chr14-102786267-G-C.
Other names: c.-61+2264G>C (NM_001385076.1, NM_001385070.1, NM_001385071.1 and 1 more transcripts); c.-54+2264G>C (NM_001385074.1); c.165G>C, p.Pro55= (NM_001385065.1, NM_001385072.1, NM_001385073.1); c.-61+412G>C (NM_001267828.2, NM_001385075.1); c.-248+2264G>C (NM_001385069.1).
Identifiers: ClinVar variation 3905668 (VCV003905668.10).

ClinVar aggregate classification (germline): Likely benign (1 of 4 stars; one submission).

Submission:

CeGaT Center for Human Genetics Tuebingen
Classification: Likely benign. Last evaluated: 2025-06-01. Review status: criteria provided, single submitter. Criteria: CeGaT Center For Human Genetics Tuebingen Variant Classification Criteria Version 2. Collection method: clinical testing. Allele origin: germline. Affected: yes. Observed: 1 variant allele.
Comment: ZNF839: PM2:Supporting, BP4, BP7